The following is an entry in ClinVar:

NM_001365536.1(SCN9A):c.915C>A (p.Tyr305Ter)

Genes: SCN1A-AS1 (SCN1A and SCN9A antisense RNA 1; plus strand), SCN9A (sodium voltage-gated channel alpha subunit 9; minus strand). Cytogenetic location: 2q24.3.
Variant type: single nucleotide variant.
Coding change: c.915C>A on transcript NM_001365536.1 (MANE Select); coding-DNA position 915, C replaced by A.
Protein change: p.Tyr305Ter; replaces tyrosine 305 with a stop codon.
Molecular consequence: nonsense. On other transcripts: non-coding transcript variant (1).
Genome position (GRCh38, 1-based): chr2:166,294,649, G>T on the plus strand (C>A on the coding strand, the complement: SCN9A is on the minus strand). VCF-style: chr2-166294649-G-T. GRCh37 (hg19) VCF-style: chr2-167151159-G-T.
Other names: c.915C>A, p.Tyr305Ter (NM_002977.4); short protein forms Y305*.
Identifiers: ClinVar variation 1415855 (VCV001415855.6), dbSNP rs2106506584, ClinGen allele CA349089797.
Genomic context (GRCh38, chr2:166,294,649, plus strand): 5'-TATTACATACCCTGAATCTGTGCTGAAACCACAAAGGAGAGCATCTTTGGATCCTTCCAA[G>T]TAATAAAAATATTCTGTTGAAGAAGAATTTGAACAGTTATAACATCACAGACTTTAATCT-3'

ClinVar aggregate classification (germline): Pathogenic (1 of 4 stars; one submission).

Conditions:
Neuropathy, hereditary sensory and autonomic, type 2A (HSAN2A). Also called: ACROOSTEOLYSIS, GIACCAI TYPE; ACROOSTEOLYSIS, NEUROGENIC; MORVAN DISEASE; NEUROPATHY, CONGENITAL SENSORY; NEUROPATHY, HEREDITARY SENSORY RADICULAR, AUTOSOMAL RECESSIVE; NEUROPATHY, HEREDITARY SENSORY, TYPE IIA. Identifiers: Orphanet 970, MedGen C2752089, MONDO:0024309, OMIM 201300.
Generalized epilepsy with febrile seizures plus, type 7 (GEFSP7). Also called: GEFS+, TYPE 7. Identifiers: Orphanet 36387, MedGen C2751778, MONDO:0013470, OMIM 613863.

Submission:

Labcorp Genetics (formerly Invitae), Labcorp
Classification: Pathogenic for Neuropathy, hereditary sensory and autonomic, type 2A; Generalized epilepsy with febrile seizures plus, type 7. Last evaluated: 2023-05-20. Review status: criteria provided, single submitter. Criteria: Invitae Variant Classification Sherloc (09022015). Collection method: clinical testing. Allele origin: germline.
Comment: This sequence change creates a premature translational stop signal (p.Tyr305*) in the SCN9A gene. It is expected to result in an absent or disrupted protein product. Loss-of-function variants in SCN9A are known to be pathogenic (PMID: 17470132, 19304393). This variant is not present in population databases (gnomAD no frequency). This variant has not been reported in the literature in individuals affected with SCN9A-related conditions. ClinVar contains an entry for this variant (Variation ID: 1415855). For these reasons, this variant has been classified as Pathogenic.

Literature cited by the submitters: PubMed 17470132; PubMed 19304393.